The following is an entry in ClinVar:

NM_022166.4(XYLT1):c.2006C>T (p.Thr669Met)

Gene: XYLT1 (xylosyltransferase 1; minus strand). Cytogenetic location: 16p12.3.
Variant type: single nucleotide variant.
Coding change: c.2006C>T on transcript NM_022166.4 (MANE Select); coding-DNA position 2006, C replaced by T.
Protein change: p.Thr669Met; replaces threonine 669 with methionine.
Molecular consequence: missense variant.
Genome position (GRCh38, 1-based): chr16:17,134,494, G>A on the plus strand (C>T on the coding strand, the complement: XYLT1 is on the minus strand). VCF-style: chr16-17134494-G-A. GRCh37 (hg19) VCF-style: chr16-17228351-G-A.
Other names: p.Thr669Met; short protein forms T669M.
Identifiers: ClinVar variation 808013 (VCV000808013.43), dbSNP rs371783636, ClinGen allele CA7927705.
Genomic context (GRCh38, chr16:17,134,494, plus strand): 5'-CTTCTCAGCTCTCCTCTCTGCATCCCATATAGGGCTCACCGGCAGCTGTTCTCCCCATCC[G>A]TGTGCAGGGACGTCTCGGCCCGTCGAAGACCCAGGCGGGCAAAGGAGTGGTACAAGGTGA-3'
Protein context (NP_071449.1, residues 659-679): GLRRAETSLH[Thr669Met]DGENSCRYYP

ClinVar aggregate classification (germline): Uncertain significance. Review status: criteria provided, multiple submitters, no conflicts (2 of 4 stars). 2 submissions from 2 submitters: Uncertain significance (2). Last evaluated 2022-03-21.

Allele frequency attached by ClinVar (database versions not stated): ExAC 0.00001; gnomAD 0.00001 and 0.00002; gnomAD exomes 0.00001; TOPMed 0.00003; ESP Exome Variant Server 0.00008.
gnomAD v4.1: 15 of 1,613,930 alleles (0.00093%); highest among the groups gnomAD compares: Middle Eastern, 0.016%; no homozygotes.

Submissions (2):

Mayo Clinic Laboratories, Mayo Clinic
Classification: Uncertain significance. Last evaluated: 2022-03-21. Review status: criteria provided, single submitter. Criteria: ACMG Guidelines, 2015. Collection method: clinical testing. Allele origin: germline. Observed: 1 variant allele.
Comment: BP4, PM2

CeGaT Center for Human Genetics Tuebingen
Classification: Uncertain significance. Last evaluated: 2018-07-01. Review status: criteria provided, single submitter. Criteria: CeGaT Center For Human Genetics Tuebingen Variant Classification Criteria Version 2. Collection method: clinical testing. Allele origin: germline. Affected: yes. Observed: 1 variant allele.